The following is an entry in ClinVar:

ClinVar aggregate classification (germline): Uncertain significance (1 of 4 stars; one submission).

Submission:

Ambry Genetics
Classification: Uncertain significance. Last evaluated: 2022-04-05. Review status: criteria provided, single submitter. Criteria: Ambry Variant Classification Scheme 2023. Collection method: clinical testing. Allele origin: germline.
Comment: The p.I193M variant (also known as c.579T>G), located in coding exon 6 of the NQO1 gene, results from a T to G substitution at nucleotide position 579. The isoleucine at codon 193 is replaced by methionine, an amino acid with highly similar properties. This amino acid position is conserved. In addition, this alteration is predicted to be tolerated by in silico analysis. Since supporting evidence is limited at this time, the clinical significance of this alteration remains unclear.

NM_000903.3(NQO1):c.579T>G (p.Ile193Met)

Gene: NQO1 (NAD(P)H quinone dehydrogenase 1; minus strand). Cytogenetic location: 16q22.1.
Variant type: single nucleotide variant.
Coding change: c.579T>G on transcript NM_000903.3 (MANE Select); coding-DNA position 579, T replaced by G.
Protein change: p.Ile193Met; replaces isoleucine 193 with methionine.
Molecular consequence: missense variant.
Genome position (GRCh38, 1-based): chr16:69,711,222, A>C on the plus strand (T>G on the coding strand, the complement: NQO1 is on the minus strand). VCF-style: chr16-69711222-A-C. GRCh37 (hg19) VCF-style: chr16-69745125-A-C.
Other names: c.477T>G, p.Ile159Met (NM_001025433.2); c.465T>G, p.Ile155Met (NM_001025434.2); c.363T>G, p.Ile121Met (NM_001286137.2); short protein forms I159M, I155M, I121M, I193M.
Identifiers: ClinVar variation 1749725 (VCV001749725.2), dbSNP rs2151741822, ClinGen allele CA396487837.